The following is an entry in ClinVar:

NM_145046.5(CALR3):c.1114G>A (p.Glu372Lys)

Gene: CALR3 (calreticulin 3; minus strand). Cytogenetic location: 19p13.11.
Variant type: single nucleotide variant.
Coding change: c.1114G>A on transcript NM_145046.5 (MANE Select); coding-DNA position 1114, G replaced by A.
Protein change: p.Glu372Lys; replaces glutamic acid 372 with lysine.
Molecular consequence: missense variant.
Genome position (GRCh38, 1-based): chr19:16,479,172, C>T on the plus strand (G>A on the coding strand, the complement: CALR3 is on the minus strand). VCF-style: chr19-16479172-C-T. GRCh37 (hg19) VCF-style: chr19-16589983-C-T.
Other names: short protein forms E372K.
Identifiers: ClinVar variation 410622 (VCV000410622.11), dbSNP rs140440387, ClinGen allele CA9278167.

ClinVar aggregate classification (germline): Uncertain significance (1 of 4 stars; one submission).

Conditions:
Hypertrophic cardiomyopathy 19. Also called: Familial hypertrophic cardiomyopathy 19. Identifiers: MedGen CN077603, MONDO:0013476.

Allele frequency attached by ClinVar (database versions not stated): TOPMed 0.00003.

Submission:

Labcorp Genetics (formerly Invitae), Labcorp
Classification: Uncertain significance for Hypertrophic cardiomyopathy 19. Last evaluated: 2025-03-21. Review status: criteria provided, single submitter. Criteria: Invitae Variant Classification Sherloc (09022015). Collection method: clinical testing. Allele origin: germline.
Comment: This sequence change replaces glutamic acid, which is acidic and polar, with lysine, which is basic and polar, at codon 372 of the CALR3 protein (p.Glu372Lys). This variant is present in population databases (rs140440387, gnomAD 0.02%). This variant has not been reported in the literature in individuals affected with CALR3-related conditions. ClinVar contains an entry for this variant (Variation ID: 410622). Invitae Evidence Modeling of protein sequence and biophysical properties (such as structural, functional, and spatial information, amino acid conservation, physicochemical variation, residue mobility, and thermodynamic stability) indicates that this missense variant is not expected to disrupt CALR3 protein function with a negative predictive value of 80%. In summary, the available evidence is currently insufficient to determine the role of this variant in disease. Therefore, it has been classified as a Variant of Uncertain Significance.